The following is an entry in ClinVar:

ClinVar aggregate classification (germline): Uncertain significance (1 of 4 stars; one submission).

Conditions:
POLD1-related polyposis and colorectal cancer syndrome (CRCS10). Also called: Colorectal cancer 10; Colorectal cancer, susceptibility to, 10; COLORECTAL CANCER, SUSCEPTIBILITY TO, ON CHROMOSOME 19q. Identifiers: Orphanet 220460, MedGen C2675481, MONDO:0012953, OMIM 612591.

Submission:

Labcorp Genetics (formerly Invitae), Labcorp
Classification: Uncertain significance for POLD1-related polyposis and colorectal cancer syndrome. Last evaluated: 2023-07-08. Review status: criteria provided, single submitter. Criteria: Invitae Variant Classification Sherloc (09022015). Collection method: clinical testing. Allele origin: germline.
Comment: This variant has not been reported in the literature in individuals affected with POLD1-related conditions. Advanced modeling of protein sequence and biophysical properties (such as structural, functional, and spatial information, amino acid conservation, physicochemical variation, residue mobility, and thermodynamic stability) performed at Invitae indicates that this missense variant is not expected to disrupt POLD1 protein function. In summary, the available evidence is currently insufficient to determine the role of this variant in disease. Therefore, it has been classified as a Variant of Uncertain Significance. This sequence change replaces alanine, which is neutral and non-polar, with valine, which is neutral and non-polar, at codon 234 of the POLD1 protein (p.Ala234Val). This variant is not present in population databases (gnomAD no frequency).

NM_002691.4(POLD1):c.701C>T (p.Ala234Val)

Gene: POLD1 (DNA polymerase delta 1, catalytic subunit; plus strand). Cytogenetic location: 19q13.33.
Variant type: single nucleotide variant.
Coding change: c.701C>T on transcript NM_002691.4 (MANE Select); coding-DNA position 701, C replaced by T.
Protein change: p.Ala234Val; replaces alanine 234 with valine.
Molecular consequence: missense variant. On other transcripts: non-coding transcript variant (1).
Genome position (GRCh38, 1-based): chr19:50,402,316, C>T. VCF-style: chr19-50402316-C-T. GRCh37 (hg19) VCF-style: chr19-50905573-C-T.
Other names: c.701C>T, p.Ala234Val (NM_001256849.1, NM_001308632.1); short protein forms A234V.
Identifiers: ClinVar variation 2738362 (VCV002738362.3), dbSNP rs2513964110, ClinGen allele CA406974423.